The following is an entry in ClinVar:

NM_144687.4(NLRP12):c.2499C>A (p.Asp833Glu)

Gene: NLRP12 (NLR family pyrin domain containing 12; minus strand). Cytogenetic location: 19q13.42.
Variant type: single nucleotide variant.
Coding change: c.2499C>A on transcript NM_144687.4 (MANE Select); coding-DNA position 2499, C replaced by A.
Protein change: p.Asp833Glu; replaces aspartic acid 833 with glutamic acid.
Molecular consequence: missense variant.
Genome position (GRCh38, 1-based): chr19:53,804,038, G>T on the plus strand (C>A on the coding strand, the complement: NLRP12 is on the minus strand). VCF-style: chr19-53804038-G-T. GRCh37 (hg19) VCF-style: chr19-54307292-G-T.
Other names: c.2499C>A (NM_144687.2); c.2502C>A, p.Asp834Glu (NM_001277126.2); c.2499C>A, p.Asp833Glu (NM_001277129.1); short protein forms D834E, D833E.
Identifiers: ClinVar variation 330018 (VCV000330018.26), dbSNP rs139956424, ClinGen allele CA9639054.

ClinVar aggregate classification (germline): Conflicting classifications of pathogenicity. Review status: criteria provided, conflicting classifications (1 of 4 stars). 5 submissions from 5 submitters: Uncertain significance (4); Likely benign (1). Last evaluated 2025-09-01.

Conditions:
Familial cold autoinflammatory syndrome 2 (FCAS2). Identifiers: Orphanet 247868, MedGen C2673198, MONDO:0012724, OMIM 611762.
Autoinflammatory syndrome. Identifiers: Orphanet 93665, MedGen C3890737, MONDO:0019751.
Inborn genetic diseases. Identifiers: MedGen C0950123, MeSH D030342.

Allele frequency attached by ClinVar (database versions not stated): gnomAD exomes 0.00001; ExAC 0.00002; gnomAD 0.00002 and 0.00003; TOPMed 0.00003; ESP Exome Variant Server 0.00008; 1000 Genomes Project 30x 0.00016; 1000 Genomes Project 0.00020.
gnomAD v4.1: 25 of 1,614,012 alleles (0.0015%); highest among the groups gnomAD compares: Non-Finnish European, 0.0019%; no homozygotes.

Submissions (5):

CeGaT Center for Human Genetics Tuebingen
Classification: Uncertain significance. Last evaluated: 2025-09-01. Review status: criteria provided, single submitter. Criteria: CeGaT Center For Human Genetics Tuebingen Variant Classification Criteria Version 2. Collection method: clinical testing. Allele origin: germline. Affected: yes. Observed: 1 variant allele.

Labcorp Genetics (formerly Invitae), Labcorp
Classification: Uncertain significance for Familial cold autoinflammatory syndrome 2. Last evaluated: 2024-01-02. Review status: criteria provided, single submitter. Criteria: Invitae Variant Classification Sherloc (09022015). Collection method: clinical testing. Allele origin: germline.
Comment: This sequence change replaces aspartic acid, which is acidic and polar, with glutamic acid, which is acidic and polar, at codon 833 of the NLRP12 protein (p.Asp833Glu). This variant is present in population databases (rs139956424, gnomAD 0.003%). This variant has not been reported in the literature in individuals affected with NLRP12-related conditions. ClinVar contains an entry for this variant (Variation ID: 330018). Advanced modeling of protein sequence and biophysical properties (such as structural, functional, and spatial information, amino acid conservation, physicochemical variation, residue mobility, and thermodynamic stability) performed at Invitae indicates that this missense variant is not expected to disrupt NLRP12 protein function with a negative predictive value of 80%. In summary, the available evidence is currently insufficient to determine the role of this variant in disease. Therefore, it has been classified as a Variant of Uncertain Significance.

Ambry Genetics
Classification: Uncertain significance for Inborn genetic diseases. Last evaluated: 2022-11-17. Review status: criteria provided, single submitter. Criteria: Ambry Variant Classification Scheme 2023. Collection method: clinical testing. Allele origin: germline.

Genome Diagnostics Laboratory, The Hospital for Sick Children
Classification: Uncertain significance for Autoinflammatory syndrome. Last evaluated: 2018-12-01. Review status: criteria provided, single submitter. Criteria: ACMG Guidelines, 2015. Collection method: clinical testing. Allele origin: germline. Affected: yes.

Illumina Laboratory Services, Illumina
Classification: Likely benign for Familial cold autoinflammatory syndrome 2. Last evaluated: 2018-01-13. Review status: criteria provided, single submitter. Criteria: ICSL Variant Classification Criteria 13 December 2019. Collection method: clinical testing. Allele origin: germline.
Comment: This variant was observed in the ICSL laboratory as part of a predisposition screen in an ostensibly healthy population. It had not been previously curated by ICSL or reported in the Human Gene Mutation Database (HGMD: prior to June 1st, 2018), and was therefore a candidate for classification through an automated scoring system. Utilizing variant allele frequency, disease prevalence and penetrance estimates, and inheritance mode, an automated score was calculated to assess if this variant is too frequent to cause the disease. Based on the score and internal cut-off values, a variant classified as likely benign is not then subjected to further curation. The score for this variant resulted in a classification of likely benign for this disease.